The following is an entry in ClinVar:

ClinVar aggregate classification (germline): Uncertain significance. Review status: criteria provided, multiple submitters, no conflicts (2 of 4 stars). 3 submissions from 3 submitters: Uncertain significance (3). Last evaluated 2025-02-08.

Conditions:
Inborn genetic diseases. Identifiers: MedGen C0950123, MeSH D030342.
Neutral lipid storage myopathy (NLSDM). Also called: NEUTRAL LIPID STORAGE DISEASE WITHOUT ICHTHYOSIS. Identifiers: Orphanet 98908, MedGen C1853136, MONDO:0012545, OMIM 610717.

Allele frequency attached by ClinVar (database versions not stated): gnomAD exomes below 0.00001; ExAC 0.00002; gnomAD 0.00002; TOPMed 0.00002.

Submissions (3):

Ambry Genetics
Classification: Uncertain significance for Inborn genetic diseases. Last evaluated: 2025-02-08. Review status: criteria provided, single submitter. Criteria: Ambry Variant Classification Scheme 2023. Collection method: clinical testing. Allele origin: germline.

Labcorp Genetics (formerly Invitae), Labcorp
Classification: Uncertain significance for Neutral lipid storage myopathy. Last evaluated: 2023-10-13. Review status: criteria provided, single submitter. Criteria: Invitae Variant Classification Sherloc (09022015). Collection method: clinical testing. Allele origin: germline.
Comment: This sequence change replaces leucine, which is neutral and non-polar, with arginine, which is basic and polar, at codon 262 of the PNPLA2 protein (p.Leu262Arg). This variant is present in population databases (rs778402032, gnomAD 0.007%). This variant has not been reported in the literature in individuals affected with PNPLA2-related conditions. ClinVar contains an entry for this variant (Variation ID: 2162952). Advanced modeling of protein sequence and biophysical properties (such as structural, functional, and spatial information, amino acid conservation, physicochemical variation, residue mobility, and thermodynamic stability) performed at Invitae indicates that this missense variant is not expected to disrupt PNPLA2 protein function. In summary, the available evidence is currently insufficient to determine the role of this variant in disease. Therefore, it has been classified as a Variant of Uncertain Significance.

Revvity Omics, Revvity
Classification: Uncertain significance for Neutral lipid storage myopathy. Last evaluated: 2020-01-03. Review status: criteria provided, single submitter. Criteria: ACMG Guidelines, 2015. Collection method: clinical testing. Allele origin: germline.

NM_020376.4(PNPLA2):c.785T>G (p.Leu262Arg)

Gene: PNPLA2 (patatin like domain 2, triacylglycerol lipase; plus strand). Cytogenetic location: 11p15.5.
Variant type: single nucleotide variant.
Coding change: c.785T>G on transcript NM_020376.4 (MANE Select); coding-DNA position 785, T replaced by G.
Protein change: p.Leu262Arg; replaces leucine 262 with arginine.
Molecular consequence: missense variant.
Genome position (GRCh38, 1-based): chr11:823,721, T>G. VCF-style: chr11-823721-T-G. GRCh37 (hg19) VCF-style: chr11-823721-T-G.
Other names: c.785T>G (NM_020376.3); short protein forms L262R.
Identifiers: ClinVar variation 2162952 (VCV002162952.8), dbSNP rs778402032, ClinGen allele CA5791180.
Genomic context (GRCh38, chr11:823,721, plus strand): 5'-TGAACTGAGAATCCCTTCTCTCCCCAACCCCAGGCCTCCTGAACCGGCCCAACCCCTTGC[T>G]GGCGTTGCCCCCCGCCCGCCCCCACGGCCCAGAGGACAAGGACCAGGCAGTGGAGAGCGC-3'
Protein context (NP_065109.1, residues 252-272): NGLLNRPNPL[Leu262Arg]ALPPARPHGP